The following is an entry in ClinVar:

ClinVar aggregate classification (germline): Likely benign (1 of 4 stars; one submission).

Allele frequency attached by ClinVar (database versions not stated): 1000 Genomes Project 0.00026; ESP Exome Variant Server 0.00058; ExAC 0.00347.

Submission:

CeGaT Center for Human Genetics Tuebingen
Classification: Likely benign. Last evaluated: 2023-02-01. Review status: criteria provided, single submitter. Criteria: CeGaT Center For Human Genetics Tuebingen Variant Classification Criteria Version 2. Collection method: clinical testing. Allele origin: germline. Affected: yes. Observed: 1 variant allele.
Comment: VCX3A: BP4, BS2

NM_016379.4(VCX3A):c.415G>C (p.Glu139Gln)

Genes: VCX3A (variable charge X-linked 3A; minus strand), LOC106029240 (S232-VCX3A recombination region; plus strand). Cytogenetic location: Xp22.31.
Variant type: single nucleotide variant.
Coding change: c.415G>C on transcript NM_016379.4 (MANE Select); coding-DNA position 415, G replaced by C.
Protein change: p.Glu139Gln; replaces glutamic acid 139 with glutamine.
Molecular consequence: missense variant.
Genome position (GRCh38, 1-based): chrX:6,533,891, C>G on the plus strand (G>C on the coding strand, the complement: VCX3A is on the minus strand). VCF-style: chrX-6533891-C-G. GRCh37 (hg19) VCF-style: chrX-6451932-C-G.
Other names: short protein forms E139Q.
Identifiers: ClinVar variation 2659908 (VCV002659908.24), dbSNP rs200714581, ClinGen allele CA10341572.